The following is an entry in ClinVar:

NM_000264.5(PTCH1):c.2060del (p.Val687fs)

Genes: PTCH1 (patched 1; minus strand), LOC100507346 (uncharacterized LOC100507346; plus strand). Cytogenetic location: 9q22.32.
Variant type: Deletion.
Coding change: c.2060del on transcript NM_000264.5 (MANE Select); coding-DNA position 2060, one base deleted (T; older notation c.2060delT).
Protein change: p.Val687fs; shifts the reading frame from valine 687.
Molecular consequence: frameshift variant. On other transcripts: non-coding transcript variant (2).
Genome position (GRCh38, 1-based): chr9:95,468,941, A deleted on the plus strand (T on the coding strand, the reverse complement: PTCH1 is on the minus strand). VCF-style (leftmost placement, unchanged base first): chr9-95468940-CA-C. GRCh37 (hg19) VCF-style: chr9-98231222-CA-C.
Other names: c.1862del, p.Val621fs (NM_001083602.3); c.2057del, p.Val686fs (NM_001083603.3); c.1607del, p.Val536fs (NM_001083604.3, NM_001083605.3, NM_001083606.3 and 1 more transcripts); c.1904del, p.Val635fs (NM_001354918.2); short protein forms V536fs, V687fs, V621fs, V686fs, V635fs.
Identifiers: ClinVar variation 2125341 (VCV002125341.4), dbSNP rs2538146766, ClinGen allele CA2580080859.

ClinVar aggregate classification (germline): Pathogenic (1 of 4 stars; one submission).

Conditions:
Gorlin syndrome. Also called: Basal cell nevus syndrome; Nevoid Basal Cell Carcinoma Syndrome. Identifiers: Orphanet 377, MedGen C0004779, MONDO:0007187.

Submission:

Labcorp Genetics (formerly Invitae), Labcorp
Classification: Pathogenic for Gorlin syndrome. Last evaluated: 2022-04-12. Review status: criteria provided, single submitter. Criteria: Invitae Variant Classification Sherloc (09022015). Collection method: clinical testing. Allele origin: germline.
Comment: For these reasons, this variant has been classified as Pathogenic. This variant has not been reported in the literature in individuals affected with PTCH1-related conditions. This variant is not present in population databases (gnomAD no frequency). This sequence change creates a premature translational stop signal (p.Val687Glyfs*6) in the PTCH1 gene. It is expected to result in an absent or disrupted protein product. Loss-of-function variants in PTCH1 are known to be pathogenic (PMID: 16301862, 16419085).

Literature cited by the submitters: PubMed 16301862; PubMed 16419085.